The following is an entry in ClinVar:

NM_004204.5(PIGQ):c.1684del (p.Arg562fs)

Gene: PIGQ (phosphatidylinositol glycan anchor biosynthesis class Q; plus strand). Cytogenetic location: 16p13.3.
Variant type: Deletion.
Coding change: c.1684del on transcript NM_004204.5 (MANE Select); coding-DNA position 1684, one base deleted (C; older notation c.1684delC).
Protein change: p.Arg562fs; shifts the reading frame from arginine 562.
Molecular consequence: frameshift variant.
Genome position (GRCh38, 1-based): chr16:582,973, C deleted; the last of 2 consecutive C bases (chr16:582,972-582,973); deleting either gives the same sequence. VCF-style (leftmost placement, unchanged base first): chr16-582971-GC-G. GRCh37 (hg19) VCF-style: chr16-632971-GC-G.
Other names: c.1622del, p.Pro541fs (NM_148920.4); short protein forms R562fs, P541fs.
Identifiers: ClinVar variation 1499271 (VCV001499271.6), dbSNP rs1295848867, ClinGen allele CA620306811.
Genomic context (GRCh38, chr16:582,971, plus strand): 5'-TGCACACCTACCGCCTCCCCAGCTGTGGCTGCCACCCCAAGCACTCCTGGGGCGCCCTGT[GC>G]CGCAAGCTGTTCCTTGGGGAGCTCATCTACCCCTGGAGGCAGAGAGGGGACAAGCAGGAC-3'

ClinVar aggregate classification (germline): Uncertain significance (1 of 4 stars; one submission).

Conditions:
Epilepsy. Also called: Seizure disorder. Identifiers: MedGen C0014544, MeSH D004827, MONDO:0005027.

Submission:

Labcorp Genetics (formerly Invitae), Labcorp
Classification: Uncertain significance for Epilepsy. Last evaluated: 2022-09-27. Review status: criteria provided, single submitter. Criteria: Invitae Variant Classification Sherloc (09022015). Collection method: clinical testing. Allele origin: germline.
Comment: This variant has not been reported in the literature in individuals affected with PIGQ-related conditions. ClinVar contains an entry for this variant (Variation ID: 1499271). Experimental studies and prediction algorithms are not available or were not evaluated, and the functional significance of this variant is currently unknown. In summary, the available evidence is currently insufficient to determine the role of this variant in disease. Therefore, it has been classified as a Variant of Uncertain Significance. This sequence change results in a frameshift in the PIGQ gene (p.Arg562Alafs*61). While this is not anticipated to result in nonsense mediated decay, it is expected to disrupt the last 20 amino acid(s) of the PIGQ protein and extend the protein by 40 additional amino acid residues. This variant is present in population databases (no rsID available, gnomAD 0.01%).